The following is an entry in ClinVar:

ClinVar aggregate classification (germline): Uncertain significance (1 of 4 stars; one submission).

gnomAD v4.1: 4 of 1,550,954 alleles (0.00026%); highest among the groups gnomAD compares: Admixed American, 0.002%; no homozygotes.

Submission:

Labcorp Genetics (formerly Invitae), Labcorp
Classification: Uncertain significance. Last evaluated: 2024-05-28. Review status: criteria provided, single submitter. Criteria: Invitae Variant Classification Sherloc (09022015). Collection method: clinical testing. Allele origin: germline.
Comment: This sequence change replaces glycine, which is neutral and non-polar, with aspartic acid, which is acidic and polar, at codon 1282 of the TET2 protein (p.Gly1282Asp). This variant is not present in population databases (gnomAD no frequency). This variant has not been reported in the literature in individuals affected with TET2-related conditions. An algorithm developed to predict the effect of missense changes on protein structure and function (PolyPhen-2) suggests that this variant is likely to be disruptive. In summary, the available evidence is currently insufficient to determine the role of this variant in disease. Therefore, it has been classified as a Variant of Uncertain Significance.

NM_001127208.3(TET2):c.3845G>A (p.Gly1282Asp)

Genes: TET2 (tet methylcytosine dioxygenase 2; plus strand), TET2-AS1 (TET2 antisense RNA 1; minus strand). Cytogenetic location: 4q24.
Variant type: single nucleotide variant.
Coding change: c.3845G>A on transcript NM_001127208.3 (MANE Select); coding-DNA position 3845, G replaced by A.
Protein change: p.Gly1282Asp; replaces glycine 1282 with aspartic acid.
Molecular consequence: missense variant.
Genome position (GRCh38, 1-based): chr4:105,259,660, G>A. VCF-style: chr4-105259660-G-A. GRCh37 (hg19) VCF-style: chr4-106180817-G-A.
Other names: short protein forms G1282D.
Identifiers: ClinVar variation 3623047 (VCV003623047.2).